The following is an entry in ClinVar:

NM_001017979.3(RAB28):c.455G>A (p.Gly152Asp)

Gene: RAB28 (RAB28, member RAS oncogene family; minus strand). Cytogenetic location: 4p15.33.
Variant type: single nucleotide variant.
Coding change: c.455G>A on transcript NM_001017979.3 (MANE Select); coding-DNA position 455, G replaced by A.
Protein change: p.Gly152Asp; replaces glycine 152 with aspartic acid.
Molecular consequence: missense variant.
Genome position (GRCh38, 1-based): chr4:13,381,531, C>T on the plus strand (G>A on the coding strand, the complement: RAB28 is on the minus strand). VCF-style: chr4-13381531-C-T. GRCh37 (hg19) VCF-style: chr4-13383155-C-T.
Other names: c.455G>A, p.Gly152Asp (NM_001159601.2, NM_004249.4); short protein forms G152D.
Identifiers: ClinVar variation 3002097 (VCV003002097.3), dbSNP rs748725480, ClinGen allele CA356404892.

ClinVar aggregate classification (germline): Uncertain significance (1 of 4 stars; one submission).

Allele frequency attached by ClinVar (database versions not stated): gnomAD exomes 0.00001.
gnomAD v4.1: 3 of 1,613,160 alleles (0.00019%); highest among the groups gnomAD compares: East Asian, 0.0067%; no homozygotes.

Submission:

Labcorp Genetics (formerly Invitae), Labcorp
Classification: Uncertain significance. Last evaluated: 2023-12-20. Review status: criteria provided, single submitter. Criteria: Invitae Variant Classification Sherloc (09022015). Collection method: clinical testing. Allele origin: germline.
Comment: This sequence change replaces glycine, which is neutral and non-polar, with aspartic acid, which is acidic and polar, at codon 152 of the RAB28 protein (p.Gly152Asp). This variant is present in population databases (no rsID available, gnomAD 0.01%). This variant has not been reported in the literature in individuals affected with RAB28-related conditions. An algorithm developed to predict the effect of missense changes on protein structure and function (PolyPhen-2) suggests that this variant is likely to be tolerated. In summary, the available evidence is currently insufficient to determine the role of this variant in disease. Therefore, it has been classified as a Variant of Uncertain Significance.